The following is an entry in ClinVar:

NM_001374736.1(DST):c.17923-4T>A

Gene: DST (dystonin; minus strand). Cytogenetic location: 6p12.1.
Variant type: single nucleotide variant.
Coding change: c.17923-4T>A on transcript NM_001374736.1 (MANE Select); 4 bases into the intron before coding-DNA position 17923, T replaced by A.
Molecular consequence: intron variant.
Genome position (GRCh38, 1-based): chr6:56,526,571, A>T on the plus strand (T>A on the coding strand, the complement: DST is on the minus strand). VCF-style: chr6-56526571-A-T. GRCh37 (hg19) VCF-style: chr6-56391369-A-T.
Other names: c.11566-4T>A (NM_001144769.5); c.17923-4T>A (NM_001374722.1); c.17950-4T>A (NM_001374734.1); c.11152-4T>A (NM_001144770.2); c.10705-4T>A (NM_001374730.1); c.11032-4T>A (NM_001386100.1, NM_183380.4); c.16963-4T>A (NM_001374729.1); c.10054-4T>A (NM_015548.5).
Identifiers: ClinVar variation 2189739 (VCV002189739.4), dbSNP rs1362104514, ClinGen allele CA567637942.
Genomic context (GRCh38, chr6:56,526,571, plus strand): 5'-CACTTCATTAAGGGAGTCCAGTAAGGCTTTGTTGTTCTTAGCTTCCTTTTTCAGTTCCTG[A>T]AAACATACAAATAAGTTAGTAACACTTAAGAGCTTCAACAGACTTTTCCTTTAACTGTTC-3'

ClinVar aggregate classification (germline): Uncertain significance (1 of 4 stars; one submission).

Conditions:
Hereditary sensory and autonomic neuropathy type 6. Also called: HSAN VI; Neuropathy, hereditary sensory and autonomic, type VI. Identifiers: Orphanet 314381, MedGen C3539003, MONDO:0013839, OMIM 614653.
Epidermolysis bullosa simplex 3, localized or generalized intermediate, with BP230 deficiency (EBS3). Also called: Epidermolysis bullosa simplex due to BP230 deficiency; Epidermolysis bullosa simplex, autosomal recessive 2. Identifiers: Orphanet 412181, MedGen C3809470, MONDO:0014180, OMIM 615425.

Allele frequency attached by ClinVar (database versions not stated): TOPMed below 0.00001; gnomAD exomes 0.00001.
gnomAD v4.1: 8 of 1,612,804 alleles (0.0005%); highest among the groups gnomAD compares: Non-Finnish European, 0.000085%; no homozygotes.

Submission:

Labcorp Genetics (formerly Invitae), Labcorp
Classification: Uncertain significance for Epidermolysis bullosa simplex 3, localized or generalized intermediate, with BP230 deficiency; Hereditary sensory and autonomic neuropathy type 6. Last evaluated: 2022-03-07. Review status: criteria provided, single submitter. Criteria: Invitae Variant Classification Sherloc (09022015). Collection method: clinical testing. Allele origin: germline.
Comment: In summary, the available evidence is currently insufficient to determine the role of this variant in disease. Therefore, it has been classified as a Variant of Uncertain Significance. Experimental studies and prediction algorithms are not available or were not evaluated, and the effect of this variant on mRNA splicing is currently unknown. This variant has not been reported in the literature in individuals affected with DST-related conditions. This variant is present in population databases (no rsID available, gnomAD 0.02%). This sequence change falls in intron 49 of the DST gene. It does not directly change the encoded amino acid sequence of the DST protein. The DST gene has multiple clinically relevant transcripts. This variant occurs in alternate transcript NM_015548.4, and corresponds to NM_001723.5:c.*88946T>A in the primary transcript.